The following is an entry in ClinVar:

ClinVar aggregate classification (germline): Pathogenic (1 of 4 stars; one submission).

Submission:

GeneDx
Classification: Pathogenic. Last evaluated: 2024-08-09. Review status: criteria provided, single submitter. Criteria: GeneDx Variant Classification Process June 2021. Collection method: clinical testing. Allele origin: germline. Affected: yes.
Comment: Frameshift variant predicted to result in protein truncation or nonsense mediated decay in a gene for which loss of function is a known mechanism of disease; Not observed at significant frequency in large population cohorts (gnomAD); This variant is associated with the following publications: (PMID: 26350204)

NM_001079872.2(CUL4B):c.803dup (p.Leu268fs)

Gene: CUL4B (cullin 4B; minus strand). Cytogenetic location: Xq24.
Variant type: Duplication.
Coding change: c.803dup on transcript NM_001079872.2 (MANE Select); coding-DNA position 803, one base duplicated (T; older notation c.803dupT).
Protein change: p.Leu268fs; shifts the reading frame from leucine 268.
Molecular consequence: frameshift variant.
Genome position (GRCh38, 1-based): chrX:120,546,590, A duplicated on the plus strand (T on the coding strand, the reverse complement: CUL4B is on the minus strand); the first of 7 consecutive A bases (chrX:120,546,590-120,546,596); duplicating any one gives the same sequence. VCF-style (leftmost placement, unchanged base first): chrX-120546589-T-TA. GRCh37 (hg19) VCF-style: chrX-119680444-T-TA.
Other names: c.818dup, p.Leu273fs (NM_001330624.2); c.269dup, p.Leu90fs (NM_001369145.1); c.857dup, p.Leu286fs (NM_003588.4); short protein forms L268fs, L273fs, L286fs, L90fs.
Identifiers: ClinVar variation 3730851 (VCV003730851.1).